The following is an entry in ClinVar:

ClinVar aggregate classification (germline): Conflicting classifications of pathogenicity. Review status: criteria provided, conflicting classifications (1 of 4 stars). 3 submissions from 3 submitters: Uncertain significance (1); Likely benign (1). 1 of the submissions does not count toward it. Last evaluated 2025-07-29.

Conditions:
TTN-related disorder. Also called: TTN-related condition; TTN-related disease; TTN-related disorders.
Autosomal recessive limb-girdle muscular dystrophy type 2J (LGMDR10). Also called: Limb-girdle muscular dystrophy, type 2J; MUSCULAR DYSTROPHY, LIMB-GIRDLE, AUTOSOMAL RECESSIVE 10. Identifiers: Orphanet 140922, MedGen C1837342, MONDO:0012127, OMIM 608807.
Dilated cardiomyopathy 1G (CMD1G). Identifiers: Orphanet 154, MedGen C1858763, MONDO:0011400, OMIM 604145.

Submissions (3):

Labcorp Genetics (formerly Invitae), Labcorp
Classification: Likely benign for Dilated cardiomyopathy 1G; Autosomal recessive limb-girdle muscular dystrophy type 2J. Last evaluated: 2025-07-29. Review status: criteria provided, single submitter. Criteria: Invitae Variant Classification Sherloc (09022015). Collection method: clinical testing. Allele origin: germline.

Revvity Omics, Revvity
Classification: Uncertain significance. Last evaluated: 2022-06-30. Review status: criteria provided, single submitter. Criteria: ACMG Guidelines, 2015. Collection method: clinical testing. Allele origin: germline.

PreventionGenetics, part of Exact Sciences
Classification: Likely benign for TTN-related condition. Last evaluated: 2022-01-20. Review status: no assertion criteria provided. Collection method: clinical testing. Allele origin: germline. Not counted in ClinVar's aggregate classification.
Comment: This variant is classified as likely benign based on ACMG/AMP sequence variant interpretation guidelines (Richards et al. 2015 PMID: 25741868, with internal and published modifications).

NM_001267550.2(TTN):c.7595-7del

Gene: TTN (titin; minus strand). Cytogenetic location: 2q31.2.
Variant type: Deletion.
Coding change: c.7595-7del on transcript NM_001267550.2 (MANE Select); 7 bases into the intron before coding-DNA position 7595, one base deleted (T; older notation c.7595-7delT).
Molecular consequence: intron variant.
Genome position (GRCh38, 1-based): chr2:178,773,376, A deleted on the plus strand (T on the coding strand, the reverse complement: TTN is on the minus strand); the first of 6 consecutive A bases (chr2:178,773,376-178,773,381); deleting any one gives the same sequence. VCF-style (leftmost placement, unchanged base first): chr2-178773375-GA-G. GRCh37 (hg19) VCF-style: chr2-179638102-GA-G.
Other names: c.7457-7del (NM_003319.4, NM_133437.4, NM_133432.3); c.7595-7del (NM_133378.4, NM_001256850.1, NM_133379.5); c.7595-7delT (NM_001267550.2).
Identifiers: ClinVar variation 413147 (VCV000413147.16), dbSNP rs774519095, ClinGen allele CA2004776.
Genomic context (GRCh38, chr2:178,773,375, plus strand): 5'-ACATTTTGAGTTTCTGTACAGGTAAGGTCACGAAGACCTCTGATAATTTTAATTTCTGGG[GA>G]AAAAATAAAATAATCTCTTGGTTATTGTTACACTGGGAAAGTAGAATGCTTAAAGTAATT-3'